The following is an entry in ClinVar:

NM_015331.3(NCSTN):c.1645G>A (p.Gly549Arg)

Gene: NCSTN (nicastrin; plus strand). Cytogenetic location: 1q23.2.
Variant type: single nucleotide variant.
Coding change: c.1645G>A on transcript NM_015331.3 (MANE Select); coding-DNA position 1645, G replaced by A.
Protein change: p.Gly549Arg; replaces glycine 549 with arginine.
Molecular consequence: missense variant.
Genome position (GRCh38, 1-based): chr1:160,356,605, G>A. VCF-style: chr1-160356605-G-A. GRCh37 (hg19) VCF-style: chr1-160326395-G-A.
Other names: c.1585G>A, p.Gly529Arg (NM_001290184.2); c.1231G>A, p.Gly411Arg (NM_001290186.2); c.1645G>A, p.Gly549Arg (NM_001349729.2); short protein forms G411R, G549R, G529R.
Identifiers: ClinVar variation 3674543 (VCV003674543.2).

ClinVar aggregate classification (germline): Uncertain significance (1 of 4 stars; one submission).

gnomAD v4.1: 20 of 1,613,998 alleles (0.0012%); highest among the groups gnomAD compares: Admixed American, 0.0033%; no homozygotes.

Submission:

Labcorp Genetics (formerly Invitae), Labcorp
Classification: Uncertain significance. Last evaluated: 2024-04-20. Review status: criteria provided, single submitter. Criteria: Invitae Variant Classification Sherloc (09022015). Collection method: clinical testing. Allele origin: germline.
Comment: This sequence change replaces glycine, which is neutral and non-polar, with arginine, which is basic and polar, at codon 549 of the NCSTN protein (p.Gly549Arg). This variant is present in population databases (rs138971211, gnomAD 0.007%). This variant has not been reported in the literature in individuals affected with NCSTN-related conditions. Advanced modeling of protein sequence and biophysical properties (such as structural, functional, and spatial information, amino acid conservation, physicochemical variation, residue mobility, and thermodynamic stability) performed at Invitae indicates that this missense variant is not expected to disrupt NCSTN protein function with a negative predictive value of 80%. In summary, the available evidence is currently insufficient to determine the role of this variant in disease. Therefore, it has been classified as a Variant of Uncertain Significance.